The following is an entry in ClinVar:

ClinVar aggregate classification (germline): Uncertain significance (1 of 4 stars; one submission).

Conditions:
Familial adenomatous polyposis 1 (FAP1). Also called: FAMILIAL ADENOMATOUS POLYPOSIS 1, ATTENUATED; POLYPOSIS, ADENOMATOUS INTESTINAL. Identifiers: MedGen C2713442, MONDO:0021056, OMIM 175100. Disease mechanism: loss of function.

Submission:

Labcorp Genetics (formerly Invitae), Labcorp
Classification: Uncertain significance for Familial adenomatous polyposis 1. Last evaluated: 2024-10-22. Review status: criteria provided, single submitter. Criteria: Invitae Variant Classification Sherloc (09022015). Collection method: clinical testing. Allele origin: germline.
Comment: This sequence change replaces alanine, which is neutral and non-polar, with aspartic acid, which is acidic and polar, at codon 381 of the APC protein (p.Ala381Asp). This variant is not present in population databases (gnomAD no frequency). This variant has not been reported in the literature in individuals affected with APC-related conditions. Invitae Evidence Modeling of protein sequence and biophysical properties (such as structural, functional, and spatial information, amino acid conservation, physicochemical variation, residue mobility, and thermodynamic stability) indicates that this missense variant is not expected to disrupt APC protein function with a negative predictive value of 95%. In summary, the available evidence is currently insufficient to determine the role of this variant in disease. Therefore, it has been classified as a Variant of Uncertain Significance.

NM_000038.6(APC):c.1142C>A (p.Ala381Asp)

Gene: APC (APC regulator of Wnt signaling pathway; plus strand). Cytogenetic location: 5q22.2.
Variant type: single nucleotide variant.
Coding change: c.1142C>A on transcript NM_000038.6 (MANE Select); coding-DNA position 1142, C replaced by A.
Protein change: p.Ala381Asp; replaces alanine 381 with aspartic acid.
Molecular consequence: missense variant. On other transcripts: non-coding transcript variant (2), intron variant (15).
Genome position (GRCh38, 1-based): chr5:112,819,174, C>A. VCF-style: chr5-112819174-C-A. GRCh37 (hg19) VCF-style: chr5-112154871-C-A.
Other names: c.1142C>A, p.Ala381Asp (NM_001127510.3, NM_001354895.2, NM_001354896.2 and 4 more transcripts); c.1088C>A, p.Ala363Asp (NM_001127511.3); c.1172C>A, p.Ala391Asp (NM_001354897.2, NM_001407446.1); c.1067C>A, p.Ala356Asp (NM_001354898.2, NM_001407451.1); c.1058C>A, p.Ala353Asp (NM_001354899.2, NM_001407452.1); c.965C>A, p.Ala322Asp (NM_001354900.2, NM_001354901.2, NM_001407453.1); c.293C>A, p.Ala98Asp (NM_001354906.2, NM_001407470.1); c.85-95C>A (NM_001407472.1, NM_001407471.1); and 5 more; short protein forms A363D, A391D, A98D, A353D, A322D, A356D, A381D.
Identifiers: ClinVar variation 3635403 (VCV003635403.2).